The following is an entry in ClinVar:

ClinVar aggregate classification (germline): Likely benign (0 of 4 stars; one submission).

Conditions:
TRAPPC6A-related disorder. Also called: TRAPPC6A-related condition.

Allele frequency attached by ClinVar (database versions not stated): gnomAD 0.00026; ESP Exome Variant Server 0.00031; 1000 Genomes Project 30x 0.00094; 1000 Genomes Project 0.00100; ExAC 0.00136.
gnomAD v4.1: 502 of 1,575,406 alleles (0.032%); highest among the groups gnomAD compares: South Asian, 0.36%; 3 homozygotes.

Submission:

PreventionGenetics, part of Exact Sciences
Classification: Likely benign for TRAPPC6A-related condition. Last evaluated: 2022-09-13. Review status: no assertion criteria provided. Collection method: clinical testing. Allele origin: germline.
Comment: This variant is classified as likely benign based on ACMG/AMP sequence variant interpretation guidelines (Richards et al. 2015 PMID: 25741868, with internal and published modifications).

NM_001270891.2(TRAPPC6A):c.383G>A (p.Arg128His)

Genes: TRAPPC6A (trafficking protein particle complex subunit 6A; minus strand), LOC130064678 (ATAC-STARR-seq lymphoblastoid active region 14787; plus strand). Cytogenetic location: 19q13.32.
Variant type: single nucleotide variant.
Coding change: c.383G>A on transcript NM_001270891.2 (MANE Select); coding-DNA position 383, G replaced by A.
Protein change: p.Arg128His; replaces arginine 128 with histidine.
Molecular consequence: missense variant. On other transcripts: synonymous variant (2).
Genome position (GRCh38, 1-based): chr19:45,163,981, C>T on the plus strand (G>A on the coding strand, the complement: TRAPPC6A is on the minus strand). VCF-style: chr19-45163981-C-T. GRCh37 (hg19) VCF-style: chr19-45667239-C-T.
Other names: c.357G>A, p.Ala119= (NM_001270892.2); c.315G>A, p.Ala105= (NM_001270893.2); c.425G>A, p.Arg142His (NM_024108.3); short protein forms R128H, R142H.
Identifiers: ClinVar variation 3045843 (VCV003045843.2), dbSNP rs374984117, ClinGen allele CA9509955.